The following is an entry in ClinVar:

ClinVar aggregate classification (germline): Uncertain significance (1 of 4 stars; one submission).

gnomAD v4.1: 1 of 1,212,074 alleles (0.000083%); no homozygotes.

Submission:

Labcorp Genetics (formerly Invitae), Labcorp
Classification: Uncertain significance. Last evaluated: 2024-05-15. Review status: criteria provided, single submitter. Criteria: Invitae Variant Classification Sherloc (09022015). Collection method: clinical testing. Allele origin: germline.
Comment: This sequence change replaces tyrosine, which is neutral and polar, with asparagine, which is neutral and polar, at codon 302 of the NSDHL protein (p.Tyr302Asn). This variant is not present in population databases (gnomAD no frequency). This variant has not been reported in the literature in individuals affected with NSDHL-related conditions. An algorithm developed to predict the effect of missense changes on protein structure and function (PolyPhen-2) suggests that this variant is likely to be tolerated. In summary, the available evidence is currently insufficient to determine the role of this variant in disease. Therefore, it has been classified as a Variant of Uncertain Significance.

NM_015922.3(NSDHL):c.904T>A (p.Tyr302Asn)

Gene: NSDHL (NAD(P) dependent 3-beta-hydroxysteroid dehydrogenase NSDHL; plus strand). Cytogenetic location: Xq28.
Variant type: single nucleotide variant.
Coding change: c.904T>A on transcript NM_015922.3 (MANE Select); coding-DNA position 904, T replaced by A.
Protein change: p.Tyr302Asn; replaces tyrosine 302 with asparagine.
Molecular consequence: missense variant.
Genome position (GRCh38, 1-based): chrX:152,868,898, T>A. VCF-style: chrX-152868898-T-A. GRCh37 (hg19) VCF-style: chrX-152037442-T-A.
Other names: c.904T>A, p.Tyr302Asn (NM_001129765.2); short protein forms Y302N.
Identifiers: ClinVar variation 3633236 (VCV003633236.2).